The following is an entry in ClinVar:

NM_000094.4(COL7A1):c.3746T>C (p.Val1249Ala)

Gene: COL7A1 (collagen type VII alpha 1 chain; minus strand). Cytogenetic location: 3p21.31.
Variant type: single nucleotide variant.
Coding change: c.3746T>C on transcript NM_000094.4 (MANE Select); coding-DNA position 3746, T replaced by C.
Protein change: p.Val1249Ala; replaces valine 1249 with alanine.
Molecular consequence: missense variant.
Genome position (GRCh38, 1-based): chr3:48,585,953, A>G on the plus strand (T>C on the coding strand, the complement: COL7A1 is on the minus strand). VCF-style: chr3-48585953-A-G. GRCh37 (hg19) VCF-style: chr3-48623386-A-G.
Other names: short protein forms V1249A.
Identifiers: ClinVar variation 2576192 (VCV002576192.3), dbSNP rs2045222215, ClinGen allele CA352702345.
Genomic context (GRCh38, chr3:48,585,953, plus strand): 5'-TAGCCCCAGGTGCAGCCTCTGTTCACCTCTCGATGAGGGACTCTTACCTTTGGACAATAC[A>G]CTGGGCAGGGCTCTGGCCGGGGCTGCGGACATAGGGTCTCTTTGAGGTTGAACATTTCTA-3'
Protein context (NP_000085.1, residues 1239-1259): TTQPRPEPCP[Val1249Ala]YCPKGQKGEP

ClinVar aggregate classification (germline): Uncertain significance. Review status: criteria provided, multiple submitters, no conflicts (2 of 4 stars). 2 submissions from 2 submitters: Uncertain significance (2). Last evaluated 2024-05-22.

Allele frequency attached by ClinVar (database versions not stated): gnomAD exomes below 0.00001; gnomAD 0.00001.
gnomAD v4.1: 4 of 1,613,860 alleles (0.00025%); highest among the groups gnomAD compares: East Asian, 0.0022%; no homozygotes.

Submissions (2):

Labcorp Genetics (formerly Invitae), Labcorp
Classification: Uncertain significance. Last evaluated: 2024-05-22. Review status: criteria provided, single submitter. Criteria: Invitae Variant Classification Sherloc (09022015). Collection method: clinical testing. Allele origin: germline.
Comment: This sequence change replaces valine, which is neutral and non-polar, with alanine, which is neutral and non-polar, at codon 1249 of the COL7A1 protein (p.Val1249Ala). This variant is not present in population databases (gnomAD no frequency). This variant has not been reported in the literature in individuals affected with COL7A1-related conditions. ClinVar contains an entry for this variant (Variation ID: 2576192). Advanced modeling of protein sequence and biophysical properties (such as structural, functional, and spatial information, amino acid conservation, physicochemical variation, residue mobility, and thermodynamic stability) performed at Invitae indicates that this missense variant is not expected to disrupt COL7A1 protein function with a negative predictive value of 95%. In summary, the available evidence is currently insufficient to determine the role of this variant in disease. Therefore, it has been classified as a Variant of Uncertain Significance.

Institute for Clinical Genetics, University Hospital TU Dresden, University Hospital TU Dresden
Classification: Uncertain significance. Last evaluated: 2021-12-29. Review status: criteria provided, single submitter. Criteria: ACMG Guidelines, 2015. Collection method: clinical testing. Allele origin: germline.
Comment: PM2_SUP